The following is an entry in ClinVar:

ClinVar aggregate classification (germline): Conflicting classifications of pathogenicity. Review status: criteria provided, conflicting classifications (1 of 4 stars). 4 submissions from 4 submitters: Uncertain significance (3); Benign (1). Last evaluated 2025-11-04.

Conditions:
Classic or attenuated familial adenomatous polyposis. Identifiers: MedGen CN372698, MONDO:0021057.
Hereditary cancer-predisposing syndrome. Also called: Tumor predisposition; Hereditary Cancer Syndrome; Hereditary neoplastic syndrome; Neoplastic Syndromes, Hereditary. Identifiers: Orphanet 140162, MedGen C0027672, MeSH D009386, MONDO:0015356.
Familial adenomatous polyposis 1 (FAP1). Also called: FAMILIAL ADENOMATOUS POLYPOSIS 1, ATTENUATED; POLYPOSIS, ADENOMATOUS INTESTINAL. Identifiers: MedGen C2713442, MONDO:0021056, OMIM 175100. Disease mechanism: loss of function.

Allele frequency attached by ClinVar (database versions not stated): gnomAD 0.00001; TOPMed 0.00001.
gnomAD v4.1: 2 of 1,613,846 alleles (0.00012%); highest among the groups gnomAD compares: African/African-American, 0.0027%; no homozygotes.

Submissions (4):

Ambry Genetics
Classification: Uncertain significance for Hereditary cancer-predisposing syndrome. Last evaluated: 2025-11-04. Review status: criteria provided, single submitter. Criteria: Ambry Variant Classification Scheme 2023. Collection method: clinical testing. Allele origin: germline.
Comment: The p.Q1952E variant (also known as c.5854C>G), located in coding exon 15 of the APC gene, results from a C to G substitution at nucleotide position 5854. The glutamine at codon 1952 is replaced by glutamic acid, an amino acid with highly similar properties. This amino acid position is highly conserved in available vertebrate species. In addition, in silico predictors for this gene do not accurately predict pathogenicity. Missense variants in APC are not a common cause of disease (Spier I et al. Genet Med. 2024 Feb;26(2):100992). Based on the available evidence, the clinical significance of this variant remains unclear.

Labcorp Genetics (formerly Invitae), Labcorp
Classification: Benign for Familial adenomatous polyposis 1. Last evaluated: 2025-07-09. Review status: criteria provided, single submitter. Criteria: Invitae Variant Classification Sherloc (09022015). Collection method: clinical testing. Allele origin: germline.

Color Diagnostics, LLC DBA Color Health
Classification: Uncertain significance for Hereditary cancer-predisposing syndrome. Last evaluated: 2025-05-12. Review status: criteria provided, single submitter. Criteria: ACMG Guidelines, 2015. Collection method: clinical testing. Allele origin: germline.
Comment: This missense variant replaces glutamine with glutamic acid at codon 1952 of the APC protein. Computational prediction suggests that this variant may not impact protein structure and function. To our knowledge, functional studies have not been reported for this variant. This variant has not been reported in individuals affected with APC-related disorders in the literature. This variant has been identified in 1/31402 chromosomes in the general population by the Genome Aggregation Database (gnomAD). The available evidence is insufficient to determine the role of this variant in disease conclusively. Therefore, this variant is classified as a Variant of Uncertain Significance.

All of Us Research Program, National Institutes of Health
Classification: Uncertain significance for Classic or attenuated familial adenomatous polyposis. Last evaluated: 2024-03-05. Review status: criteria provided, single submitter. Criteria: ACMG Guidelines, 2015. Collection method: clinical testing. Allele origin: germline. Inheritance: Autosomal dominant inheritance. Observed: 1 variant allele, 1 heterozygote.
Comment: This study involves interpretation of variants in research participants for the purpose of population health screening. Participant phenotype was not available at the time of variant classification. Additional details can be found in publication PMID: 35346344, PMCID: PMC8962531

NM_000038.6(APC):c.5854C>G (p.Gln1952Glu)

Gene: APC (APC regulator of Wnt signaling pathway; plus strand). Cytogenetic location: 5q22.2.
Variant type: single nucleotide variant.
Coding change: c.5854C>G on transcript NM_000038.6 (MANE Select); coding-DNA position 5854, C replaced by G.
Protein change: p.Gln1952Glu; replaces glutamine 1952 with glutamic acid.
Molecular consequence: missense variant.
Genome position (GRCh38, 1-based): chr5:112,841,448, C>G. VCF-style: chr5-112841448-C-G. GRCh37 (hg19) VCF-style: chr5-112177145-C-G.
Other names: c.5854C>G, p.Gln1952Glu (NM_001127510.3, NM_001354895.2); c.5800C>G, p.Gln1934Glu (NM_001127511.3); c.5908C>G, p.Gln1970Glu (NM_001354896.2); c.5884C>G, p.Gln1962Glu (NM_001354897.2); c.5779C>G, p.Gln1927Glu (NM_001354898.2); c.5770C>G, p.Gln1924Glu (NM_001354899.2); c.5731C>G, p.Gln1911Glu (NM_001354900.2); c.5677C>G, p.Gln1893Glu (NM_001354901.2); and 5 more; short protein forms Q1952E, Q1934E, Q1792E, Q1924E, Q1970E, Q1669E, Q1861E, Q1893E.
Identifiers: ClinVar variation 537499 (VCV000537499.17), dbSNP rs1166934042, ClinGen allele CA16034137.